The following is an entry in ClinVar:

NM_000368.5(TSC1):c.1264-10A>G

Gene: TSC1 (TSC complex subunit 1; minus strand). Cytogenetic location: 9q34.13.
Variant type: single nucleotide variant.
Coding change: c.1264-10A>G on transcript NM_000368.5 (MANE Select); 10 bases into the intron before coding-DNA position 1264, A replaced by G.
Molecular consequence: intron variant.
Genome position (GRCh38, 1-based): chr9:132,907,380, T>C on the plus strand (A>G on the coding strand, the complement: TSC1 is on the minus strand). VCF-style: chr9-132907380-T-C. GRCh37 (hg19) VCF-style: chr9-135782767-T-C.
Other names: c.901-10A>G (NM_001362177.2); c.1111-10A>G (NM_001162427.2); c.1261-10A>G (NM_001162426.2).
Identifiers: ClinVar variation 1583478 (VCV001583478.9), dbSNP rs994736836, ClinGen allele CA200890034.

ClinVar aggregate classification (germline): Likely benign. Review status: criteria provided, multiple submitters, no conflicts (2 of 4 stars). 2 submissions from 2 submitters: Likely benign (2). Last evaluated 2025-07-02.

Conditions:
Tuberous sclerosis 1 (TSC1). Identifiers: Orphanet 805, MedGen C1854465, MONDO:0008612, OMIM 191100.

Allele frequency attached by ClinVar (database versions not stated): gnomAD exomes below 0.00001.
gnomAD v4.1: 2 of 1,610,470 alleles (0.00012%); highest among the groups gnomAD compares: Non-Finnish European, 0.00017%; no homozygotes.

Submissions (2):

Labcorp Genetics (formerly Invitae), Labcorp
Classification: Likely benign for Tuberous sclerosis 1. Last evaluated: 2025-07-02. Review status: criteria provided, single submitter. Criteria: Invitae Variant Classification Sherloc (09022015). Collection method: clinical testing. Allele origin: germline.

Myriad Genetics, Inc.
Classification: Likely benign for Tuberous sclerosis 1. Last evaluated: 2025-04-09. Review status: criteria provided, single submitter. Criteria: Myriad Autosomal Dominant, Autosomal Recessive and X-Linked Classification Criteria (2023). Collection method: clinical testing. Allele origin: unknown.
Comment: This variant is considered likely benign. This variant is intronic and is not expected to impact mRNA splicing.